The following is an entry in ClinVar:

ClinVar aggregate classification (germline): Likely pathogenic (1 of 4 stars; one submission).

Conditions:
Pili torti-developmental delay-neurological abnormalities syndrome. Identifiers: Orphanet 2891, MedGen C1849811, MONDO:0009871, OMIM 261990.

Submission:

Women's Health and Genetics/Laboratory Corporation of America, LabCorp
Classification: Likely pathogenic for Pili torti-developmental delay-neurological abnormalities syndrome. Last evaluated: 2022-08-15. Review status: criteria provided, single submitter. Criteria: LabCorp Variant Classification Summary - May 2015. Collection method: clinical testing. Allele origin: germline.
Comment: Variant summary: The variant identified by MLPA or other technology involves the deletion of exon 2 in the HEPHL1 gene. A presumed nomenclature of c.(170+1_171-1)_(415+1_416-1)del has been designated for the purposes of this classification. Although exact breakpoints of this deletion are not known, it is expected to result in a frameshift in the HEPHL1 gene. Biallelic loss of function variants in the HEPHL1 gene have been reported as a mechanism of disease in a human case report, and also in animals (PMID 31125343, 33926013). The variant was absent in 21694 control chromosomes (gnomAD structural variants dataset). To our knowledge, no occurrence of c.(170+1_171-1)_(415+1_416-1)del in individuals affected with Pili Torti-Developmental Delay-Neurological Abnormalities Syndrome and no experimental evidence demonstrating its impact on protein function have been reported. No clinical diagnostic laboratories have submitted clinical-significance assessments for this variant to ClinVar after 2014. Based on the evidence outlined above, the variant was classified as likely pathogenic.

NC_000011.9:g.(93754705_93778838)_(93779084_93796673)del

Gene: HEPHL1 (hephaestin like 1; plus strand). Cytogenetic location: 11q21.
Variant type: Deletion.
Identifiers: ClinVar variation 1705100 (VCV001705100.1).